The following is an entry in ClinVar:

NM_001170629.2(CHD8):c.3100A>C (p.Lys1034Gln)

Gene: CHD8 (chromodomain helicase DNA binding protein 8; minus strand). Cytogenetic location: 14q11.2.
Variant type: single nucleotide variant.
Coding change: c.3100A>C on transcript NM_001170629.2 (MANE Select); coding-DNA position 3100, A replaced by C.
Protein change: p.Lys1034Gln; replaces lysine 1034 with glutamine.
Molecular consequence: missense variant.
Genome position (GRCh38, 1-based): chr14:21,405,416, T>G on the plus strand (A>C on the coding strand, the complement: CHD8 is on the minus strand). VCF-style: chr14-21405416-T-G. GRCh37 (hg19) VCF-style: chr14-21873575-T-G.
Other names: c.2263A>C, p.Lys755Gln (NM_020920.4); short protein forms K1034Q, K755Q.
Identifiers: ClinVar variation 4536323 (VCV004536323.1).
Genomic context (GRCh38, chr14:21,405,416, plus strand): 5'-TCAGCTCTACTTCAATAATTGTTTCCTGTTTGGGTGCCAAGTTTTTTTCAACATCCTCTT[T>G]GAGTCTTCTCAGCATCATTGGCTTAAGAATGGCCTGTAGCTTTTGAACCTGTGGTCCATT-3'
Protein context (NP_001164100.1, residues 1024-1044): ILKPMMLRRL[Lys1034Gln]EDVEKNLAPK

ClinVar aggregate classification (germline): Uncertain significance (1 of 4 stars; one submission).

Submission:

GeneDx
Classification: Uncertain significance. Last evaluated: 2025-06-02. Review status: criteria provided, single submitter. Criteria: GeneDx Variant Classification Process June 2021. Collection method: clinical testing. Allele origin: germline. Affected: yes.
Comment: Not observed at significant frequency in large population cohorts (gnomAD); In silico analysis supports that this missense variant has a deleterious effect on protein structure/function; Has not been previously published as pathogenic or benign to our knowledge